The following is an entry in ClinVar:

NM_004999.4(MYO6):c.1867T>G (p.Ser623Ala)

Gene: MYO6 (myosin VI; plus strand). Cytogenetic location: 6q14.1.
Variant type: single nucleotide variant.
Coding change: c.1867T>G on transcript NM_004999.4 (MANE Select); coding-DNA position 1867, T replaced by G.
Protein change: p.Ser623Ala; replaces serine 623 with alanine.
Molecular consequence: missense variant. On other transcripts: non-coding transcript variant (1).
Genome position (GRCh38, 1-based): chr6:75,867,028, T>G. VCF-style: chr6-75867028-T-G. GRCh37 (hg19) VCF-style: chr6-76576745-T-G.
Other names: c.1867T>G, p.Ser623Ala (NM_001300899.2, NM_001368136.1, NM_001368137.1 and 2 more transcripts); c.1852T>G, p.Ser618Ala (NM_001368138.1); short protein forms S623A, S618A.
Identifiers: ClinVar variation 2985653 (VCV002985653.3), dbSNP rs773971997, ClinGen allele CA3897230.
Genomic context (GRCh38, chr6:75,867,028, plus strand): 5'-ATGTCTCTTGAATCCTTAATATGTGAATCCAGAGATAAGTTTATACGGGAATTATTTGAA[T>G]CATCCACAAATAACAACAAAGATACTAAACAAAAAGCAGGAAAACTTAGCTTCATCAGCG-3'
Protein context (NP_004990.3, residues 613-633): RDKFIRELFE[Ser623Ala]STNNNKDTKQ

ClinVar aggregate classification (germline): Uncertain significance (1 of 4 stars; one submission).

Allele frequency attached by ClinVar (database versions not stated): ExAC 0.00002; TOPMed 0.00002.

Submission:

Labcorp Genetics (formerly Invitae), Labcorp
Classification: Uncertain significance. Last evaluated: 2023-03-07. Review status: criteria provided, single submitter. Criteria: Invitae Variant Classification Sherloc (09022015). Collection method: clinical testing. Allele origin: germline.
Comment: In summary, the available evidence is currently insufficient to determine the role of this variant in disease. Therefore, it has been classified as a Variant of Uncertain Significance. This variant is present in population databases (rs773971997, gnomAD 0.02%). This sequence change replaces serine, which is neutral and polar, with alanine, which is neutral and non-polar, at codon 623 of the MYO6 protein (p.Ser623Ala). This variant has not been reported in the literature in individuals affected with MYO6-related conditions. Advanced modeling of protein sequence and biophysical properties (such as structural, functional, and spatial information, amino acid conservation, physicochemical variation, residue mobility, and thermodynamic stability) performed at Invitae indicates that this missense variant is not expected to disrupt MYO6 protein function.